The following is an entry in ClinVar:

NM_130839.5(UBE3A):c.1631dup (p.Asn544fs)

Genes: SNHG14 (small nucleolar RNA host gene 14; plus strand), UBE3A (ubiquitin protein ligase E3A; minus strand). Cytogenetic location: 15q11.2.
Variant type: Duplication.
Coding change: c.1631dup on transcript NM_130839.5 (MANE Select); coding-DNA position 1631, one base duplicated (A; older notation c.1631dupA).
Protein change: p.Asn544fs; shifts the reading frame from asparagine 544.
Molecular consequence: frameshift variant. On other transcripts: non-coding transcript variant (1).
Genome position (GRCh38, 1-based): chr15:25,360,505, T duplicated on the plus strand (A on the coding strand, the reverse complement: UBE3A is on the minus strand); the first of 4 consecutive T bases (chr15:25,360,505-25,360,508); duplicating any one gives the same sequence. VCF-style (leftmost placement, unchanged base first): chr15-25360504-A-AT. GRCh37 (hg19) VCF-style: chr15-25605651-A-AT.
Other names: c.1640dup, p.Asn547fs (NM_000462.5); c.1631dup, p.Asn544fs (NM_001354505.1, NM_001354538.2, NM_001354545.2); c.1571dup, p.Asn524fs (NM_001354506.2, NM_001354507.2, NM_001354508.2 and 17 more transcripts); c.1454dup, p.Asn485fs (NM_001354546.2); c.380dup, p.Asn127fs (NM_001354550.2); c.320dup, p.Asn107fs (NM_001354551.2); short protein forms N107fs, N485fs, N127fs, N544fs, N547fs, N524fs.
Identifiers: ClinVar variation 155956 (VCV000155956.1), dbSNP rs587781205, ClinGen allele CA333323.

ClinVar aggregate classification (germline): Pathogenic (0 of 4 stars; one submission).

Conditions:
Angelman syndrome (AS). Also called: HAPPY PUPPET SYNDROME. Identifiers: Orphanet 72, MedGen C0162635, MONDO:0007113, OMIM 105830. Disease mechanism: loss of function. Inheritance: AS is caused by disruption of maternally imprinted UBE3A located within the 15q11.2-q13 Angelman syndrome/Prader-Willi syndrome (AS/PWS) region., imprinting disorder.

Submission:

Baylor Genetics
Classification: Pathogenic for Angelman Syndrome. Last evaluated: 2014-02-14. Review status: no assertion criteria provided. Collection method: clinical testing. Allele origin: germline. Affected: yes. Observed: 1 variant allele. Study: UBE3A Mutation Study.
Comment: Data collected from clinical UBE3A sequence analysis results

Literature cited by the submitters: PubMed 25212744.